The following is an entry in ClinVar:

NM_001165963.4(SCN1A):c.377T>G (p.Val126Gly)

Gene: SCN1A (sodium voltage-gated channel alpha subunit 1; minus strand). Cytogenetic location: 2q24.3.
Variant type: single nucleotide variant.
Coding change: c.377T>G on transcript NM_001165963.4 (MANE Select); coding-DNA position 377, T replaced by G.
Protein change: p.Val126Gly; replaces valine 126 with glycine.
Molecular consequence: missense variant. On other transcripts: 5 prime UTR variant (1), non-coding transcript variant (1).
Genome position (GRCh38, 1-based): chr2:166,058,576, A>C on the plus strand (T>G on the coding strand, the complement: SCN1A is on the minus strand). VCF-style: chr2-166058576-A-C. GRCh37 (hg19) VCF-style: chr2-166915086-A-C.
Other names: c.377T>G, p.Val126Gly (NM_001165964.3, NM_001202435.3, NM_001353948.2 and 10 more transcripts); c.-2049T>G (NM_001353961.2); short protein forms V126G.
Identifiers: ClinVar variation 2860968 (VCV002860968.3), dbSNP rs1699350522, ClinGen allele CA349076765.

ClinVar aggregate classification (germline): Uncertain significance (1 of 4 stars; one submission).

Conditions:
Early-infantile DEE. Also called: Ohtahara syndrome; Early infantile epileptic encephalopathy with suppression bursts; Early infantile epileptic encephalopathy. Identifiers: Orphanet 1934, MedGen C0393706, MONDO:0800491.

Submission:

Labcorp Genetics (formerly Invitae), Labcorp
Classification: Uncertain significance for Early-infantile DEE. Last evaluated: 2023-05-04. Review status: criteria provided, single submitter. Criteria: Invitae Variant Classification Sherloc (09022015). Collection method: clinical testing. Allele origin: germline.
Comment: This variant is not present in population databases (gnomAD no frequency). This sequence change replaces valine, which is neutral and non-polar, with glycine, which is neutral and non-polar, at codon 126 of the SCN1A protein (p.Val126Gly). In summary, the available evidence is currently insufficient to determine the role of this variant in disease. Therefore, it has been classified as a Variant of Uncertain Significance. This variant disrupts the p.Val126 amino acid residue in SCN1A. Other variant(s) that disrupt this residue have been observed in individuals with SCN1A-related conditions (Invitae), which suggests that this may be a clinically significant amino acid residue. Advanced modeling of protein sequence and biophysical properties (such as structural, functional, and spatial information, amino acid conservation, physicochemical variation, residue mobility, and thermodynamic stability) performed at Invitae indicates that this missense variant is expected to disrupt SCN1A protein function. This missense change has been observed in individual(s) with clinical features of SCN1A-related conditions (Invitae).